The following is an entry in ClinVar:

ClinVar aggregate classification (germline): Uncertain significance (1 of 4 stars; one submission).

Submission:

GeneDx
Classification: Uncertain significance. Last evaluated: 2025-04-20. Review status: criteria provided, single submitter. Criteria: GeneDx Variant Classification Process June 2021. Collection method: clinical testing. Allele origin: germline. Affected: yes.
Comment: Not observed at significant frequency in large population cohorts (gnomAD); In silico analysis indicates that this missense variant does not alter protein structure/function; Has not been previously published as pathogenic or benign to our knowledge

NM_006766.5(KAT6A):c.2684C>A (p.Pro895His)

Gene: KAT6A (lysine acetyltransferase 6A; minus strand). Cytogenetic location: 8p11.21.
Variant type: single nucleotide variant.
Coding change: c.2684C>A on transcript NM_006766.5 (MANE Select); coding-DNA position 2684, C replaced by A.
Protein change: p.Pro895His; replaces proline 895 with histidine.
Molecular consequence: missense variant.
Genome position (GRCh38, 1-based): chr8:41,941,197, G>T on the plus strand (C>A on the coding strand, the complement: KAT6A is on the minus strand). VCF-style: chr8-41941197-G-T. GRCh37 (hg19) VCF-style: chr8-41798715-G-T.
Other names: short protein forms P895H.
Identifiers: ClinVar variation 4282343 (VCV004282343.1).